The following is an entry in ClinVar:

NM_001142800.2(EYS):c.5953G>A (p.Glu1985Lys)

Gene: EYS (EGF-like photoreceptor maintenance factor; minus strand). Cytogenetic location: 6q12.
Variant type: single nucleotide variant.
Coding change: c.5953G>A on transcript NM_001142800.2 (MANE Select); coding-DNA position 5953, G replaced by A.
Protein change: p.Glu1985Lys; replaces glutamic acid 1985 with lysine.
Molecular consequence: missense variant.
Genome position (GRCh38, 1-based): chr6:64,388,815, C>T on the plus strand (G>A on the coding strand, the complement: EYS is on the minus strand). VCF-style: chr6-64388815-C-T. GRCh37 (hg19) VCF-style: chr6-65098708-C-T.
Other names: c.5953G>A, p.Glu1985Lys (NM_001292009.2); short protein forms E1985K.
Identifiers: ClinVar variation 843902 (VCV000843902.8), dbSNP rs1196390028, ClinGen allele CA364392199.

ClinVar aggregate classification (germline): Uncertain significance. Review status: criteria provided, multiple submitters, no conflicts (2 of 4 stars). 4 submissions from 4 submitters: Uncertain significance (3). 1 of the submissions does not count toward it. Last evaluated 2024-09-27.

Conditions:
Inborn genetic diseases. Identifiers: MedGen C0950123, MeSH D030342.
Retinitis pigmentosa 25 (RP25). Identifiers: Orphanet 791, MedGen C1864446, MONDO:0011272, OMIM 602772.

Allele frequency attached by ClinVar (database versions not stated): gnomAD 0.00001; gnomAD exomes 0.00001 and 0.00002.
gnomAD v4.1: 16 of 1,539,464 alleles (0.001%); highest among the groups gnomAD compares: South Asian, 0.017%; no homozygotes.

Submissions (4):

Ambry Genetics
Classification: Uncertain significance for Inborn genetic diseases. Last evaluated: 2024-09-27. Review status: criteria provided, single submitter. Criteria: Ambry Variant Classification Scheme 2023. Collection method: clinical testing. Allele origin: germline.

Labcorp Genetics (formerly Invitae), Labcorp
Classification: Uncertain significance. Last evaluated: 2022-09-14. Review status: criteria provided, single submitter. Criteria: Invitae Variant Classification Sherloc (09022015). Collection method: clinical testing. Allele origin: germline.
Comment: This sequence change replaces glutamic acid, which is acidic and polar, with lysine, which is basic and polar, at codon 1985 of the EYS protein (p.Glu1985Lys). This variant is present in population databases (no rsID available, gnomAD 0.01%). This variant has not been reported in the literature in individuals affected with EYS-related conditions. ClinVar contains an entry for this variant (Variation ID: 843902). Algorithms developed to predict the effect of missense changes on protein structure and function output the following: SIFT: "Tolerated"; PolyPhen-2: "Probably Damaging"; Align-GVGD: "Class C0". The lysine amino acid residue is found in multiple mammalian species, which suggests that this missense change does not adversely affect protein function. In summary, the available evidence is currently insufficient to determine the role of this variant in disease. Therefore, it has been classified as a Variant of Uncertain Significance.

Blueprint Genetics
Classification: Uncertain significance. Last evaluated: 2019-08-29. Review status: criteria provided, single submitter. Criteria: ACMG Guidelines, 2015. Collection method: clinical testing. Allele origin: germline.

Natera, Inc.
Classification: Uncertain significance for Retinitis pigmentosa type 25. Last evaluated: 2020-08-25. Review status: no assertion criteria provided. Collection method: clinical testing. Allele origin: germline. Not counted in ClinVar's aggregate classification.